The following is an entry in ClinVar:

NM_004320.6(ATP2A1):c.400C>T (p.Arg134Cys)

Gene: ATP2A1 (ATPase sarcoplasmic/endoplasmic reticulum Ca2+ transporting 1; plus strand). Cytogenetic location: 16p11.2.
Variant type: single nucleotide variant.
Coding change: c.400C>T on transcript NM_004320.6 (MANE Select); coding-DNA position 400, C replaced by T.
Protein change: p.Arg134Cys; replaces arginine 134 with cysteine.
Molecular consequence: missense variant.
Genome position (GRCh38, 1-based): chr16:28,882,526, C>T. VCF-style: chr16-28882526-C-T. GRCh37 (hg19) VCF-style: chr16-28893847-C-T.
Other names: c.25C>T, p.Arg9Cys (NM_001286075.2); c.400C>T, p.Arg134Cys (NM_173201.5); short protein forms R9C, R134C.
Identifiers: ClinVar variation 843464 (VCV000843464.11), dbSNP rs1170892326, ClinGen allele CA395401187.

ClinVar aggregate classification (germline): Uncertain significance. Review status: criteria provided, multiple submitters, no conflicts (2 of 4 stars). 2 submissions from 2 submitters: Uncertain significance (2). Last evaluated 2024-10-17.

Conditions:
Inborn genetic diseases. Identifiers: MedGen C0950123, MeSH D030342.
Brody myopathy. Also called: BRODY DISEASE. Identifiers: Orphanet 53347, MedGen C1832918, MONDO:0010977, OMIM 601003.

Allele frequency attached by ClinVar (database versions not stated): gnomAD exomes below 0.00001; gnomAD 0.00002; TOPMed 0.00002.

Submissions (2):

Labcorp Genetics (formerly Invitae), Labcorp
Classification: Uncertain significance for Brody myopathy. Last evaluated: 2024-10-17. Review status: criteria provided, single submitter. Criteria: Invitae Variant Classification Sherloc (09022015). Collection method: clinical testing. Allele origin: germline.
Comment: This sequence change replaces arginine, which is basic and polar, with cysteine, which is neutral and slightly polar, at codon 134 of the ATP2A1 protein (p.Arg134Cys). This variant is not present in population databases (gnomAD no frequency). This variant has not been reported in the literature in individuals affected with ATP2A1-related conditions. ClinVar contains an entry for this variant (Variation ID: 843464). An algorithm developed to predict the effect of missense changes on protein structure and function (PolyPhen-2) suggests that this variant is likely to be disruptive. In summary, the available evidence is currently insufficient to determine the role of this variant in disease. Therefore, it has been classified as a Variant of Uncertain Significance.

Ambry Genetics
Classification: Uncertain significance for Inborn genetic diseases. Last evaluated: 2023-07-14. Review status: criteria provided, single submitter. Criteria: Ambry Variant Classification Scheme 2023. Collection method: clinical testing. Allele origin: germline.